The following is an entry in ClinVar:

ClinVar aggregate classification (germline): Likely pathogenic (1 of 4 stars; one submission).

Conditions:
Angelman syndrome-like. Identifiers: MedGen CN128785.
Developmental and epileptic encephalopathy, 2 (DEE2). Also called: INFANTILE SPASM SYNDROME, X-LINKED 2; CDKL5 deficiency disorder. Identifiers: Orphanet 1934, Orphanet 3451, Orphanet 505652, MedGen C4750718, MONDO:0010396, OMIM 300672.

Submission:

Labcorp Genetics (formerly Invitae), Labcorp
Classification: Likely pathogenic for Developmental and epileptic encephalopathy, 2; Angelman syndrome-like. Last evaluated: 2025-09-19. Review status: criteria provided, single submitter. Criteria: Invitae Variant Classification Sherloc (09022015). Collection method: clinical testing. Allele origin: germline.
Comment: This sequence change replaces leucine, which is neutral and non-polar, with phenylalanine, which is neutral and non-polar, at codon 210 of the CDKL5 protein (p.Leu210Phe). This variant is not present in population databases (gnomAD no frequency). This missense change has been observed in individual(s) with clinical features of developmental and epileptic encephalopathy (internal data). In at least one individual the variant was observed to be de novo. Invitae Evidence Modeling of protein sequence and biophysical properties (such as structural, functional, and spatial information, amino acid conservation, physicochemical variation, residue mobility, and thermodynamic stability) has been performed for this missense variant. However, the output from this modeling did not meet the statistical confidence thresholds required to predict the impact of this variant on CDKL5 protein function. In summary, the currently available evidence indicates that the variant is pathogenic, but additional data are needed to prove that conclusively. Therefore, this variant has been classified as Likely Pathogenic.

NM_001323289.2(CDKL5):c.630A>T (p.Leu210Phe)

Gene: CDKL5 (cyclin dependent kinase like 5; plus strand). Cytogenetic location: Xp22.13.
Variant type: single nucleotide variant.
Coding change: c.630A>T on transcript NM_001323289.2 (MANE Select); coding-DNA position 630, A replaced by T.
Protein change: p.Leu210Phe; replaces leucine 210 with phenylalanine.
Molecular consequence: missense variant.
Genome position (GRCh38, 1-based): chrX:18,588,029, A>T. VCF-style: chrX-18588029-A-T. GRCh37 (hg19) VCF-style: chrX-18606149-A-T.
Other names: c.630A>T, p.Leu210Phe (NM_001037343.2, NM_003159.3); short protein forms L210F.
Identifiers: ClinVar variation 4789422 (VCV004789422.1).
Genomic context (GRCh38, chrX:18,588,029, plus strand): 5'-GTCCGTGGACATGTGGTCGGTGGGCTGTATTCTTGGGGAGCTTAGCGATGGACAGCCTTT[A>T]TTTCCTGGAGAAAGTGAAATTGACCAACTTTTTACTATTCAGAAGGTGCTAGGACCACTT-3'
Protein context (NP_001310218.1, residues 200-220): ILGELSDGQP[Leu210Phe]FPGESEIDQL